The following is an entry in ClinVar:

NM_001256627.2(BRSK2):c.1288-92C>T

Gene: BRSK2 (BR serine/threonine kinase 2; plus strand). Cytogenetic location: 11p15.5.
Variant type: single nucleotide variant.
Coding change: c.1288-92C>T on transcript NM_001256627.2 (MANE Select); 92 bases into the intron before coding-DNA position 1288, C replaced by T.
Molecular consequence: intron variant.
Genome position (GRCh38, 1-based): chr11:1,450,495, C>T. VCF-style: chr11-1450495-C-T. GRCh37 (hg19) VCF-style: chr11-1471725-C-T.
Other names: c.1288-92C>T (NM_001256629.2, NM_003957.4); c.1108-92C>T (NM_001282218.2); c.1426-92C>T (NM_001256630.1).
Identifiers: ClinVar variation 2578625 (VCV002578625.25), dbSNP rs185752629, ClinGen allele CA216134784.

ClinVar aggregate classification (germline): Likely benign (1 of 4 stars; one submission).

Allele frequency attached by ClinVar (database versions not stated): 1000 Genomes Project 0.00220; 1000 Genomes Project 30x 0.00312; TOPMed 0.00505; gnomAD 0.00601; gnomAD exomes 0.00697.
gnomAD v4.1: 4,293 of 641,410 alleles (0.67%); highest among the groups gnomAD compares: Non-Finnish European, 0.92%; 29 homozygotes.

Submission:

CeGaT Center for Human Genetics Tuebingen
Classification: Likely benign. Last evaluated: 2023-07-01. Review status: criteria provided, single submitter. Criteria: CeGaT Center For Human Genetics Tuebingen Variant Classification Criteria Version 2. Collection method: clinical testing. Allele origin: germline. Affected: yes. Observed: 12 variant alleles.
Comment: BRSK2: BS2